The following is an entry in ClinVar:

NM_032575.3(GLIS2):c.1397A>G (p.Glu466Gly)

Gene: GLIS2 (GLIS family zinc finger 2; plus strand). Cytogenetic location: 16p13.3.
Variant type: single nucleotide variant.
Coding change: c.1397A>G on transcript NM_032575.3 (MANE Select); coding-DNA position 1397, A replaced by G.
Protein change: p.Glu466Gly; replaces glutamic acid 466 with glycine.
Molecular consequence: missense variant.
Genome position (GRCh38, 1-based): chr16:4,337,346, A>G. VCF-style: chr16-4337346-A-G. GRCh37 (hg19) VCF-style: chr16-4387347-A-G.
Other names: c.1397A>G, p.Glu466Gly (NM_001318918.2); short protein forms E466G.
Identifiers: ClinVar variation 2185310 (VCV002185310.4), dbSNP rs2505616847, ClinGen allele CA394600724.
Genomic context (GRCh38, chr16:4,337,346, plus strand): 5'-AGGGGCGTGGGTCGGTGCCCACCAGGGCCCTGGGCATGGAGGGCCACAAGACGCCCCTTG[A>G]AAGGACGGAGAGCAGCTGCTCCCGGCCAAGCCCCGATGGACTCCCCCTGCTGCCAGGCAC-3'
Protein context (NP_115964.2, residues 456-476): LGMEGHKTPL[Glu466Gly]RTESSCSRPS

ClinVar aggregate classification (germline): Uncertain significance (1 of 4 stars; one submission).

Conditions:
Nephronophthisis. Also called: Juvenile Nephronophthisis. Identifiers: Orphanet 655, MedGen C0687120, MONDO:0019005, HP:0000090.

Allele frequency attached by ClinVar (database versions not stated): gnomAD exomes 0.00001.
gnomAD v4.1: 9 of 1,590,548 alleles (0.00057%); highest among the groups gnomAD compares: South Asian, 0.0034%; no homozygotes.

Submission:

Labcorp Genetics (formerly Invitae), Labcorp
Classification: Uncertain significance for Nephronophthisis. Last evaluated: 2024-10-15. Review status: criteria provided, single submitter. Criteria: Invitae Variant Classification Sherloc (09022015). Collection method: clinical testing. Allele origin: germline.
Comment: This sequence change replaces glutamic acid, which is acidic and polar, with glycine, which is neutral and non-polar, at codon 466 of the GLIS2 protein (p.Glu466Gly). This variant is not present in population databases (gnomAD no frequency). This variant has not been reported in the literature in individuals affected with GLIS2-related conditions. ClinVar contains an entry for this variant (Variation ID: 2185310). Experimental studies and prediction algorithms are not available or were not evaluated, and the functional significance of this variant is currently unknown. In summary, the available evidence is currently insufficient to determine the role of this variant in disease. Therefore, it has been classified as a Variant of Uncertain Significance.